The following is an entry in ClinVar:

ClinVar aggregate classification (germline): Uncertain significance (1 of 4 stars; one submission).

Conditions:
Cardiomyopathy (CMYO). Also called: Cardiomyopathies. Identifiers: Orphanet 167848, MedGen C0878544, MONDO:0004994, HP:0001638. Inheritance: Various modes of inheritance.

Submission:

All of Us Research Program, National Institutes of Health
Classification: Uncertain significance for Cardiomyopathy. Last evaluated: 2023-05-04. Review status: criteria provided, single submitter. Criteria: ACMG Guidelines, 2015. Collection method: clinical testing. Allele origin: germline. Inheritance: Autosomal dominant inheritance. Observed: 1 variant allele, 1 heterozygote.
Comment: This variant changes 1 nucleotide in exon 34 of the MYH7 gene, creating a premature translation stop signal. This variant is expected to result in an absent or non-functional protein product. To our knowledge, this variant has not been reported in individuals affected with MYH7-related disorders in the literature. Clinical relevance of loss-of-function MYH7 truncation variants in autosomal dominant cardiovascular disorders is not clearly established. This variant has not been identified in the general population by the Genome Aggregation Database (gnomAD). The available evidence is insufficient to determine the role of this variant in disease conclusively. Therefore, this variant is classified as a Variant of Uncertain Significance.

This study involves interpretation of variants in research participants for the purpose of population health screening. Participant phenotype was not available at the time of variant classification. Additional details can be found in publication PMID: 35346344, PMCID: PMC8962531

NM_000257.4(MYH7):c.4924C>T (p.Gln1642Ter)

Genes: MHRT (myosin heavy chain associated RNA transcript; plus strand), MYH7 (myosin heavy chain 7; minus strand), LOC126861897 (BRD4-independent group 4 enhancer GRCh37_chr14:23884455-23885654; plus strand). Cytogenetic location: 14q11.2.
Variant type: single nucleotide variant.
Coding change: c.4924C>T on transcript NM_000257.4 (MANE Select); coding-DNA position 4924, C replaced by T.
Protein change: p.Gln1642Ter; replaces glutamine 1642 with a stop codon.
Molecular consequence: nonsense. On other transcripts: non-coding transcript variant (1).
Genome position (GRCh38, 1-based): chr14:23,416,033, G>A on the plus strand (C>T on the coding strand, the complement: MYH7 is on the minus strand). VCF-style: chr14-23416033-G-A. GRCh37 (hg19) VCF-style: chr14-23885242-G-A.
Other names: c.4924C>T, p.Gln1642Ter (NM_001407004.1); short protein forms Q1642*.
Identifiers: ClinVar variation 3070795 (VCV003070795.1), dbSNP rs2502244303, ClinGen allele CA389037344.
Genomic context (GRCh38, chr14:23,416,033, plus strand): 5'-ACGTGGAGGCCAGTCCCCTCTGGGTGAGTACCTTCAACAAGCTCTGGAGGCTCTTGACTT[G>A]CTTCTGGGCCTCGGCGGCCATGCGGTTGGCGTGGCTGAGCTGGATCTCCATCTCATTGAG-3'